The following is an entry in ClinVar:

ClinVar aggregate classification (germline): Uncertain significance. Review status: criteria provided, multiple submitters, no conflicts (2 of 4 stars). 2 submissions from 2 submitters: Uncertain significance (2). Last evaluated 2025-06-08.

Allele frequency attached by ClinVar (database versions not stated): TOPMed below 0.00001.

Submissions (2):

Labcorp Genetics (formerly Invitae), Labcorp
Classification: Uncertain significance. Last evaluated: 2025-06-08. Review status: criteria provided, single submitter. Criteria: Invitae Variant Classification Sherloc (09022015). Collection method: clinical testing. Allele origin: germline.
Comment: This sequence change replaces threonine, which is neutral and polar, with alanine, which is neutral and non-polar, at codon 747 of the COL7A1 protein (p.Thr747Ala). This variant is not present in population databases (gnomAD no frequency). This variant has not been reported in the literature in individuals affected with COL7A1-related conditions. ClinVar contains an entry for this variant (Variation ID: 2682527). Invitae Evidence Modeling of protein sequence and biophysical properties (such as structural, functional, and spatial information, amino acid conservation, physicochemical variation, residue mobility, and thermodynamic stability) indicates that this missense variant is not expected to disrupt COL7A1 protein function with a negative predictive value of 95%. In summary, the available evidence is currently insufficient to determine the role of this variant in disease. Therefore, it has been classified as a Variant of Uncertain Significance.

Women's Health and Genetics/Laboratory Corporation of America, LabCorp
Classification: Uncertain significance. Last evaluated: 2023-11-15. Review status: criteria provided, single submitter. Criteria: LabCorp Variant Classification Summary - May 2015. Collection method: clinical testing. Allele origin: germline.

NM_000094.4(COL7A1):c.2239A>G (p.Thr747Ala)

Gene: COL7A1 (collagen type VII alpha 1 chain; minus strand). Cytogenetic location: 3p21.31.
Variant type: single nucleotide variant.
Coding change: c.2239A>G on transcript NM_000094.4 (MANE Select); coding-DNA position 2239, A replaced by G.
Protein change: p.Thr747Ala; replaces threonine 747 with alanine.
Molecular consequence: missense variant.
Genome position (GRCh38, 1-based): chr3:48,589,402, T>C on the plus strand (A>G on the coding strand, the complement: COL7A1 is on the minus strand). VCF-style: chr3-48589402-T-C. GRCh37 (hg19) VCF-style: chr3-48626835-T-C.
Other names: short protein forms T747A.
Identifiers: ClinVar variation 2682527 (VCV002682527.2), dbSNP rs2045533698, ClinGen allele CA352724336.